The following is an entry in ClinVar:

ClinVar aggregate classification (germline): Pathogenic (1 of 4 stars; one submission).

Submission:

Labcorp Genetics (formerly Invitae), Labcorp
Classification: Pathogenic. Last evaluated: 2022-02-28. Review status: criteria provided, single submitter. Criteria: Invitae Variant Classification Sherloc (09022015). Collection method: clinical testing. Allele origin: germline.
Comment: For these reasons, this variant has been classified as Pathogenic. This sequence change creates a premature translational stop signal (p.Leu196Ilefs*25) in the TMEM126B gene. While this is not anticipated to result in nonsense mediated decay, it is expected to disrupt the last 35 amino acid(s) of the TMEM126B protein. This variant is not present in population databases (gnomAD no frequency). This variant has not been reported in the literature in individuals affected with TMEM126B-related conditions. This variant disrupts a region of the TMEM126B protein in which other variant(s) (p.Gly212Val) have been determined to be pathogenic (PMID: 27374773, 27374774, 29093663). This suggests that this is a clinically significant region of the protein, and that variants that disrupt it are likely to be disease-causing.

Literature cited by the submitters: PubMed 27374773; PubMed 27374774; PubMed 29093663.

NM_018480.7(TMEM126B):c.585dup (p.Leu196fs)

Gene: TMEM126B (transmembrane protein 126B; plus strand). Cytogenetic location: 11q14.1.
Variant type: Duplication.
Coding change: c.585dup on transcript NM_018480.7 (MANE Select); coding-DNA position 585, one base duplicated (A; older notation c.585dupA).
Protein change: p.Leu196fs; shifts the reading frame from leucine 196.
Molecular consequence: frameshift variant. On other transcripts: non-coding transcript variant (2).
Genome position (GRCh38, 1-based): chr11:85,636,121, A duplicated; the last of 3 consecutive A bases (chr11:85,636,119-85,636,121); duplicating any one gives the same sequence. VCF-style (leftmost placement, unchanged base first): chr11-85636118-G-GA. GRCh37 (hg19) VCF-style: chr11-85347162-G-GA.
Other names: c.525dup, p.Leu176fs (NM_001193537.3); c.495dup, p.Leu166fs (NM_001193538.3, NM_001256546.2); c.447dup, p.Leu150fs (NM_001256547.2); c.360dup, p.Leu121fs (NM_001350393.1); short protein forms L150fs, L166fs, L196fs, L121fs, L176fs.
Identifiers: ClinVar variation 2095260 (VCV002095260.4), dbSNP rs2153309845, ClinGen allele CA2574940658.